The following is an entry in ClinVar:

ClinVar aggregate classification (germline): Uncertain significance. Review status: criteria provided, multiple submitters, no conflicts (2 of 4 stars). 2 submissions from 2 submitters: Uncertain significance (2). Last evaluated 2023-11-28.

Conditions:
Cardiovascular phenotype. Identifiers: MedGen CN230736.
Long QT syndrome (LQTS). Identifiers: MedGen C0023976, MeSH D008133, MONDO:0002442. Disease mechanism: loss of function. Inheritance: Various modes of inheritance.

Allele frequency attached by ClinVar (database versions not stated): gnomAD exomes below 0.00001 and 0.00001; gnomAD 0.00001; TOPMed 0.00001.
gnomAD v4.1: 11 of 1,613,668 alleles (0.00068%); highest among the groups gnomAD compares: African/African-American, 0.0027%; no homozygotes.

Submissions (2):

Labcorp Genetics (formerly Invitae), Labcorp
Classification: Uncertain significance for Long QT syndrome. Last evaluated: 2023-11-28. Review status: criteria provided, single submitter. Criteria: Invitae Variant Classification Sherloc (09022015). Collection method: clinical testing. Allele origin: germline.
Comment: This sequence change falls in intron 18 of the ANK2 gene. It does not directly change the encoded amino acid sequence of the ANK2 protein. It affects a nucleotide within the consensus splice site. This variant is present in population databases (no rsID available, gnomAD 0.007%). This variant has not been reported in the literature in individuals affected with ANK2-related conditions. ClinVar contains an entry for this variant (Variation ID: 1444005). Variants that disrupt the consensus splice site are a relatively common cause of aberrant splicing (PMID: 17576681, 9536098). Algorithms developed to predict the effect of sequence changes on RNA splicing suggest that this variant is not likely to affect RNA splicing. In summary, the available evidence is currently insufficient to determine the role of this variant in disease. Therefore, it has been classified as a Variant of Uncertain Significance.

Ambry Genetics
Classification: Uncertain significance for Cardiovascular phenotype. Last evaluated: 2023-06-13. Review status: criteria provided, single submitter. Criteria: Ambry Variant Classification Scheme 2023. Collection method: clinical testing. Allele origin: germline.
Comment: The c.2079+5T>G intronic variant results from a T to G substitution 5 nucleotides after coding exon 18 in the ANK2 gene. This nucleotide position is well conserved in available vertebrate species. In silico splice site analysis predicts that this alteration will not have any significant effect on splicing. Since supporting evidence is limited at this time, the clinical significance of this alteration remains unclear.

Literature cited by the submitters: PubMed 17576681 (cited by Labcorp Genetics (formerly Invitae), Labcorp); PubMed 9536098 (cited by Labcorp Genetics (formerly Invitae), Labcorp).

NM_001148.6(ANK2):c.2079+5T>G

Gene: ANK2 (ankyrin 2; plus strand). Cytogenetic location: 4q26.
Variant type: single nucleotide variant.
Coding change: c.2079+5T>G on transcript NM_001148.6 (MANE Select); 5 bases into the intron after coding-DNA position 2079, T replaced by G.
Molecular consequence: intron variant.
Genome position (GRCh38, 1-based): chr4:113,282,877, T>G. VCF-style: chr4-113282877-T-G. GRCh37 (hg19) VCF-style: chr4-114204033-T-G.
Other names: c.2067+5T>G (NM_001386186.2, NM_001386148.2); c.1869+5T>G (NM_001354269.3); c.2043+5T>G (NM_001386187.2); c.2037+5T>G (NM_001386147.1, NM_001386160.1, NM_001354261.2); c.2016+5T>G (NM_001354254.2, NM_001354239.2, NM_001354252.2 and 10 more transcripts); c.1917+5T>G (NM_001354253.2, NM_001354270.2, NM_001354257.2 and 1 more transcripts); c.1992+5T>G (NM_001354249.2, NM_001354266.2, NM_001354276.2 and 10 more transcripts); c.1893+5T>G (NM_001386151.1, NM_001354260.2, NM_001354271.2); and 8 more.
Identifiers: ClinVar variation 1444005 (VCV001444005.7), dbSNP rs1304362778, ClinGen allele CA554146210.